The following is an entry in ClinVar:

ClinVar aggregate classification (germline): Uncertain significance. Review status: criteria provided, multiple submitters, no conflicts (2 of 4 stars). 3 submissions from 3 submitters: Uncertain significance (3). Last evaluated 2025-11-16.

Conditions:
Dilated cardiomyopathy 1O (CMD1O). Also called: CARDIOMYOPATHY, DILATED, WITH VENTRICULAR TACHYCARDIA. Identifiers: Orphanet 154, MedGen C1837839, MONDO:0012062, OMIM 608569.
Cardiovascular phenotype. Identifiers: MedGen CN230736.

Allele frequency attached by ClinVar (database versions not stated): TOPMed 0.00001.
gnomAD v4.1: 5 of 1,611,260 alleles (0.00031%); highest among the groups gnomAD compares: East Asian, 0.011%; no homozygotes.

Submissions (3):

Labcorp Genetics (formerly Invitae), Labcorp
Classification: Uncertain significance for Dilated cardiomyopathy 1O. Last evaluated: 2025-11-16. Review status: criteria provided, single submitter. Criteria: Invitae Variant Classification Sherloc (09022015). Collection method: clinical testing. Allele origin: germline.
Comment: This sequence change replaces aspartic acid, which is acidic and polar, with asparagine, which is neutral and polar, at codon 669 of the ABCC9 protein (p.Asp669Asn). This variant is present in population databases (rs762304330, gnomAD 0.03%). This variant has not been reported in the literature in individuals affected with ABCC9-related conditions. ClinVar contains an entry for this variant (Variation ID: 2715008). Invitae Evidence Modeling of protein sequence and biophysical properties (such as structural, functional, and spatial information, amino acid conservation, physicochemical variation, residue mobility, and thermodynamic stability) has been performed for this missense variant. However, the output from this modeling did not meet the statistical confidence thresholds required to predict the impact of this variant on ABCC9 protein function. In summary, the available evidence is currently insufficient to determine the role of this variant in disease. Therefore, it has been classified as a Variant of Uncertain Significance.

GeneDx
Classification: Uncertain significance. Last evaluated: 2024-12-30. Review status: criteria provided, single submitter. Criteria: GeneDx Variant Classification Process June 2021. Collection method: clinical testing. Allele origin: germline. Affected: yes.
Comment: In silico analysis indicates that this missense variant does not alter protein structure/function; Has not been previously published as pathogenic or benign to our knowledge

Ambry Genetics
Classification: Uncertain significance for Cardiovascular phenotype. Last evaluated: 2024-11-05. Review status: criteria provided, single submitter. Criteria: Ambry Variant Classification Scheme 2023. Collection method: clinical testing. Allele origin: germline.
Comment: The p.D669N variant (also known as c.2005G>A), located in coding exon 14 of the ABCC9 gene, results from a G to A substitution at nucleotide position 2005. The aspartic acid at codon 669 is replaced by asparagine, an amino acid with highly similar properties. This amino acid position is highly conserved in available vertebrate species. In addition, this alteration is predicted to be tolerated by in silico analysis. Based on the available evidence, the clinical significance of this variant remains unclear for autosomal dominant Cant&uacute; syndrome; however, it is unlikely to be causative of autosomal recessive neurodevelopmental myopathy syndrome.

NM_020297.4(ABCC9):c.2005G>A (p.Asp669Asn)

Gene: ABCC9 (ATP binding cassette subfamily C member 9; minus strand). Cytogenetic location: 12p12.1.
Variant type: single nucleotide variant.
Coding change: c.2005G>A on transcript NM_020297.4 (MANE Select); coding-DNA position 2005, G replaced by A.
Protein change: p.Asp669Asn; replaces aspartic acid 669 with asparagine.
Molecular consequence: missense variant.
Genome position (GRCh38, 1-based): chr12:21,882,780, C>T on the plus strand (G>A on the coding strand, the complement: ABCC9 is on the minus strand). VCF-style: chr12-21882780-C-T. GRCh37 (hg19) VCF-style: chr12-22035714-C-T.
Other names: c.2005G>A, p.Asp669Asn (NM_001377273.1, NM_005691.4); c.1141G>A, p.Asp381Asn (NM_001377274.1); short protein forms D381N, D669N.
Identifiers: ClinVar variation 2715008 (VCV002715008.5), dbSNP rs762304330, ClinGen allele CA6481528.